The following is an entry in ClinVar:

ClinVar aggregate classification (germline): Uncertain significance. Review status: criteria provided, multiple submitters, no conflicts (2 of 4 stars). 2 submissions from 2 submitters: Uncertain significance (2). Last evaluated 2025-09-19.

Conditions:
DNAH10-related disorder. Also called: DNAH10-related condition.

Allele frequency attached by ClinVar (database versions not stated): gnomAD exomes 0.00003; gnomAD 0.00009; ExAC 0.00011; TOPMed 0.00015; 1000 Genomes Project 0.00040; 1000 Genomes Project 30x 0.00047.
gnomAD v4.1: 51 of 1,612,658 alleles (0.0032%); highest among the groups gnomAD compares: African/African-American, 0.035%; no homozygotes.

Submissions (2):

PreventionGenetics, part of Exact Sciences
Classification: Uncertain significance for DNAH10-related condition. Last evaluated: 2025-09-19. Review status: criteria provided, single submitter. Criteria: ACMG Guidelines, 2015. Collection method: clinical testing. Allele origin: germline.
Comment: The DNAH10 c.13039G>A variant is predicted to result in the amino acid substitution p.Gly4347Ser. To our knowledge, this variant has not been reported in the literature. This variant is reported in 0.038% of alleles in individuals of African descent in gnomAD. At this time, the clinical significance of this variant is uncertain due to the absence of conclusive functional and genetic evidence.

Ambry Genetics
Classification: Uncertain significance. Last evaluated: 2024-04-09. Review status: criteria provided, single submitter. Criteria: Ambry Variant Classification Scheme 2023. Collection method: clinical testing. Allele origin: germline.

NM_001372106.1(DNAH10):c.13393G>A (p.Gly4465Ser)

Genes: DNAH10 (dynein axonemal heavy chain 10; plus strand), DNAH10OS (dynein axonemal heavy chain 10 opposite strand; minus strand). Cytogenetic location: 12q24.31.
Variant type: single nucleotide variant.
Coding change: c.13393G>A on transcript NM_001372106.1 (MANE Select); coding-DNA position 13393, G replaced by A.
Protein change: p.Gly4465Ser; replaces glycine 4465 with serine.
Molecular consequence: missense variant.
Genome position (GRCh38, 1-based): chr12:123,933,427, G>A. VCF-style: chr12-123933427-G-A. GRCh37 (hg19) VCF-style: chr12-124417974-G-A.
Other names: c.13039G>A, p.Gly4347Ser (NM_001083900.1, NM_207437.3); short protein forms G4465S, G4347S.
Identifiers: ClinVar variation 2364216 (VCV002364216.4), dbSNP rs200494043, ClinGen allele CA6866226.
Genomic context (GRCh38, chr12:123,933,427, plus strand): 5'-GGGCTGCACATCCCTGAGTCCTACCTCACGGCGCTGGTGCAGGCCACCTGCCGGAAGAAC[G>A]GCTGGCCACTGGACCGCTCCACCTTGTTCACACAAGTGACCAAGTTCCAGGATGCAGATG-3'
Protein context (NP_001359035.1, residues 4455-4475): ALVQATCRKN[Gly4465Ser]WPLDRSTLFT